The following is an entry in ClinVar:

ClinVar aggregate classification (germline): Uncertain significance (1 of 4 stars; one submission).

Conditions:
Type A2 brachydactyly (BDA2). Also called: BRACHYMESOPHALANGY II; Brachymesophalangy type 2; MOHR-WRIEDT TYPE BRACHYDACTYLY. Identifiers: Orphanet 93396, MedGen C1832702, MONDO:0007216, OMIM 112600, HP:0009372.
Acromesomelic dysplasia 3 (AMD3). Also called: Acromesomelic dysplasia, Demirhan type; CHONDRODYSPLASIA, ACROMESOMELIC, WITH OR WITHOUT GENITAL ANOMALIES. Identifiers: MedGen C4225404, MONDO:0012274, OMIM 609441.

Allele frequency attached by ClinVar (database versions not stated): gnomAD 0.00004; TOPMed 0.00005; gnomAD exomes 0.00007; 1000 Genomes Project 0.00020; ESP Exome Variant Server 0.00023; 1000 Genomes Project 30x 0.00031.
gnomAD v4.1: 150 of 1,613,898 alleles (0.0093%); highest among the groups gnomAD compares: Admixed American, 0.012%; no homozygotes.

Submission:

Labcorp Genetics (formerly Invitae), Labcorp
Classification: Uncertain significance for Type A2 brachydactyly; Acromesomelic dysplasia 3. Last evaluated: 2022-10-19. Review status: criteria provided, single submitter. Criteria: Invitae Variant Classification Sherloc (09022015). Collection method: clinical testing. Allele origin: germline.
Comment: ClinVar contains an entry for this variant (Variation ID: 1064229). In summary, the available evidence is currently insufficient to determine the role of this variant in disease. Therefore, it has been classified as a Variant of Uncertain Significance. Advanced modeling of protein sequence and biophysical properties (such as structural, functional, and spatial information, amino acid conservation, physicochemical variation, residue mobility, and thermodynamic stability) performed at Invitae indicates that this missense variant is not expected to disrupt BMPR1B protein function. This variant has not been reported in the literature in individuals affected with BMPR1B-related conditions. This variant is present in population databases (rs142696562, gnomAD 0.02%). This sequence change replaces glutamine, which is neutral and polar, with glutamic acid, which is acidic and polar, at codon 249 of the BMPR1B protein (p.Gln249Glu).

NM_001203.3(BMPR1B):c.745C>G (p.Gln249Glu)

Gene: BMPR1B (bone morphogenetic protein receptor type 1B; plus strand). Cytogenetic location: 4q22.3.
Variant type: single nucleotide variant.
Coding change: c.745C>G on transcript NM_001203.3 (MANE Select); coding-DNA position 745, C replaced by G.
Protein change: p.Gln249Glu; replaces glutamine 249 with glutamic acid.
Molecular consequence: missense variant.
Genome position (GRCh38, 1-based): chr4:95,130,021, C>G. VCF-style: chr4-95130021-C-G. GRCh37 (hg19) VCF-style: chr4-96051172-C-G.
Other names: c.745C>G, p.Gln249Glu (NM_001256792.2, NM_001256794.1); c.835C>G, p.Gln279Glu (NM_001256793.2); short protein forms Q249E, Q279E.
Identifiers: ClinVar variation 1064229 (VCV001064229.7), dbSNP rs142696562, ClinGen allele CA3015079.